The following is an entry in ClinVar:

ClinVar aggregate classification (germline): Uncertain significance (1 of 4 stars; one submission).

Conditions:
Pulmonary fibrosis and/or bone marrow failure, Telomere-related, 4. Also called: PULMONARY FIBROSIS AND/OR BONE MARROW FAILURE SYNDROME, TELOMERE-RELATED, 4. Identifiers: Orphanet 2032, MedGen C4225347, MONDO:0014612, OMIM 616371.
Dyskeratosis congenita, autosomal recessive 6 (DKCB6). Identifiers: MedGen C4225356, MONDO:0014600, OMIM 616353.

Submission:

Labcorp Genetics (formerly Invitae), Labcorp
Classification: Uncertain significance for Dyskeratosis congenita, autosomal recessive 6; Pulmonary fibrosis and/or bone marrow failure, Telomere-related, 4. Last evaluated: 2025-09-10. Review status: criteria provided, single submitter. Criteria: Invitae Variant Classification Sherloc (09022015). Collection method: clinical testing. Allele origin: germline.
Comment: This sequence change replaces isoleucine, which is neutral and non-polar, with methionine, which is neutral and non-polar, at codon 522 of the PARN protein (p.Ile522Met). This variant is not present in population databases (gnomAD no frequency). This variant has not been reported in the literature in individuals affected with PARN-related conditions. An algorithm developed to predict the effect of missense changes on protein structure and function outputs the following: PolyPhen-2: "Benign". The methionine amino acid residue is found in multiple mammalian species, which suggests that this missense change does not adversely affect protein function. In summary, the available evidence is currently insufficient to determine the role of this variant in disease. Therefore, it has been classified as a Variant of Uncertain Significance.

NM_002582.4(PARN):c.1566C>G (p.Ile522Met)

Gene: PARN (poly(A)-specific ribonuclease; minus strand). Cytogenetic location: 16p13.12.
Variant type: single nucleotide variant.
Coding change: c.1566C>G on transcript NM_002582.4 (MANE Select); coding-DNA position 1566, C replaced by G.
Protein change: p.Ile522Met; replaces isoleucine 522 with methionine.
Molecular consequence: missense variant.
Genome position (GRCh38, 1-based): chr16:14,482,742, G>C on the plus strand (C>G on the coding strand, the complement: PARN is on the minus strand). VCF-style: chr16-14482742-G-C. GRCh37 (hg19) VCF-style: chr16-14576599-G-C.
Other names: c.1383C>G, p.Ile461Met (NM_001134477.3); c.1428C>G, p.Ile476Met (NM_001242992.2); short protein forms I476M, I461M, I522M.
Identifiers: ClinVar variation 4788474 (VCV004788474.1).